The following is an entry in ClinVar:

ClinVar aggregate classification (germline): Uncertain significance (1 of 4 stars; one submission).

gnomAD v4.1: 2 of 1,614,186 alleles (0.00012%); highest among the groups gnomAD compares: Non-Finnish European, 0.00017%; no homozygotes.

Submission:

Labcorp Genetics (formerly Invitae), Labcorp
Classification: Uncertain significance. Last evaluated: 2021-04-10. Review status: criteria provided, single submitter. Criteria: Invitae Variant Classification Sherloc (09022015). Collection method: clinical testing. Allele origin: germline.
Comment: In summary, the available evidence is currently insufficient to determine the role of this variant in disease. Therefore, it has been classified as a Variant of Uncertain Significance. Algorithms developed to predict the effect of missense changes on protein structure and function (SIFT, PolyPhen-2, Align-GVGD) all suggest that this variant is likely to be disruptive, but these predictions have not been confirmed by published functional studies and their clinical significance is uncertain. This variant has not been reported in the literature in individuals with SORL1-related conditions. This variant is not present in population databases (ExAC no frequency). This sequence change replaces arginine with proline at codon 480 of the SORL1 protein (p.Arg480Pro). The arginine residue is highly conserved and there is a moderate physicochemical difference between arginine and proline.

NM_003105.6(SORL1):c.1439G>C (p.Arg480Pro)

Gene: SORL1 (sortilin related receptor 1; plus strand). Cytogenetic location: 11q24.1.
Variant type: single nucleotide variant.
Coding change: c.1439G>C on transcript NM_003105.6 (MANE Select); coding-DNA position 1439, G replaced by C.
Protein change: p.Arg480Pro; replaces arginine 480 with proline.
Molecular consequence: missense variant.
Genome position (GRCh38, 1-based): chr11:121,522,620, G>C. VCF-style: chr11-121522620-G-C. GRCh37 (hg19) VCF-style: chr11-121393329-G-C.
Other names: short protein forms R480P.
Identifiers: ClinVar variation 1524977 (VCV001524977.8), dbSNP rs757953032, ClinGen allele CA383024514.
Genomic context (GRCh38, chr11:121,522,620, plus strand): 5'-CACTGCCTGAAACTTTGGTTGTATAGCTTTCCCAGGGCTGTTCCCTTCATCTGGCTCAGC[G>C]CCTCAGTCAGCTCCTCAACCTCCAGCTCCGGAGAATGCCCATCCTGTCCAAGGAGTCGGC-3'
Protein context (NP_003096.2, residues 470-490): SQGCSLHLAQ[Arg480Pro]LSQLLNLQLR